The following is an entry in ClinVar:

NM_006904.7(PRKDC):c.8639G>A (p.Cys2880Tyr)

Genes: PRKDC (protein kinase, DNA-activated, catalytic subunit; minus strand), LOC121740717 (Sharpr-MPRA regulatory region 7649; plus strand). Cytogenetic location: 8q11.21.
Variant type: single nucleotide variant.
Coding change: c.8639G>A on transcript NM_006904.7 (MANE Select); coding-DNA position 8639, G replaced by A.
Protein change: p.Cys2880Tyr; replaces cysteine 2880 with tyrosine.
Molecular consequence: missense variant.
Genome position (GRCh38, 1-based): chr8:47,826,800, C>T on the plus strand (G>A on the coding strand, the complement: PRKDC is on the minus strand). VCF-style: chr8-47826800-C-T. GRCh37 (hg19) VCF-style: chr8-48739361-C-T.
Other names: c.8639G>A, p.Cys2880Tyr (NM_001081640.2); short protein forms C2880Y.
Identifiers: ClinVar variation 1966311 (VCV001966311.5), dbSNP rs2551866152, ClinGen allele CA371144010.

ClinVar aggregate classification (germline): Uncertain significance (1 of 4 stars; one submission).

Conditions:
Severe combined immunodeficiency due to DNA-PKcs deficiency. Also called: IMMUNODEFICIENCY 26 WITH NEUROLOGIC ABNORMALITIES; Immunodeficiency 26 with or without neurologic abnormalities. Identifiers: Orphanet 317425, MedGen C4014833, MONDO:0014423, OMIM 615966.

Allele frequency attached by ClinVar (database versions not stated): gnomAD exomes 0.00001.
gnomAD v4.1: 3 of 1,608,222 alleles (0.00019%); highest among the groups gnomAD compares: Non-Finnish European, 0.00025%; no homozygotes.

Submission:

Labcorp Genetics (formerly Invitae), Labcorp
Classification: Uncertain significance for Severe combined immunodeficiency due to DNA-PKcs deficiency. Last evaluated: 2023-06-29. Review status: criteria provided, single submitter. Criteria: Invitae Variant Classification Sherloc (09022015). Collection method: clinical testing. Allele origin: germline.
Comment: ClinVar contains an entry for this variant (Variation ID: 1966311). This sequence change replaces cysteine, which is neutral and slightly polar, with tyrosine, which is neutral and polar, at codon 2880 of the PRKDC protein (p.Cys2880Tyr). This variant is not present in population databases (gnomAD no frequency). This variant has not been reported in the literature in individuals affected with PRKDC-related conditions. Advanced modeling of protein sequence and biophysical properties (such as structural, functional, and spatial information, amino acid conservation, physicochemical variation, residue mobility, and thermodynamic stability) performed at Invitae indicates that this missense variant is expected to disrupt PRKDC protein function. In summary, the available evidence is currently insufficient to determine the role of this variant in disease. Therefore, it has been classified as a Variant of Uncertain Significance.